The following is an entry in ClinVar:

ClinVar aggregate classification (germline): Likely benign. Review status: criteria provided, single submitter (1 of 4 stars). 2 submissions from 2 submitters: Likely benign (1). 1 of the submissions does not count toward it. Last evaluated 2023-10-12.

Conditions:
BBS1-related disorder. Also called: BBS1-related condition.
Bardet-Biedl syndrome (BBS). Identifiers: Orphanet 110, MedGen C0752166, MONDO:0015229.

Allele frequency attached by ClinVar (database versions not stated): gnomAD 0.00001; ExAC 0.00002; gnomAD exomes 0.00001.
gnomAD v4.1: 5 of 1,613,996 alleles (0.00031%); highest among the groups gnomAD compares: African/African-American, 0.0027%; no homozygotes.

Submissions (2):

Labcorp Genetics (formerly Invitae), Labcorp
Classification: Likely benign for Bardet-Biedl syndrome. Last evaluated: 2023-10-12. Review status: criteria provided, single submitter. Criteria: Invitae Variant Classification Sherloc (09022015). Collection method: clinical testing. Allele origin: germline.

PreventionGenetics, part of Exact Sciences
Classification: Likely benign for BBS1-related condition. Last evaluated: 2023-01-03. Review status: no assertion criteria provided. Collection method: clinical testing. Allele origin: germline. Not counted in ClinVar's aggregate classification.
Comment: This variant is classified as likely benign based on ACMG/AMP sequence variant interpretation guidelines (Richards et al. 2015 PMID: 25741868, with internal and published modifications).

NM_024649.5(BBS1):c.951+10C>T

Genes: BBS1 (Bardet-Biedl syndrome 1; plus strand), ZDHHC24 (zDHHC palmitoyltransferase 24; minus strand). Cytogenetic location: 11q13.2.
Variant type: single nucleotide variant.
Coding change: c.951+10C>T on transcript NM_024649.5 (MANE Select); 10 bases into the intron after coding-DNA position 951, C replaced by T.
Molecular consequence: intron variant.
Genome position (GRCh38, 1-based): chr11:66,523,586, C>T. VCF-style: chr11-66523586-C-T. GRCh37 (hg19) VCF-style: chr11-66291057-C-T.
Other names: c.*22-2120G>A (NM_001348571.2).
Identifiers: ClinVar variation 1154486 (VCV001154486.48), dbSNP rs745672331, ClinGen allele CA6123556.